The following is an entry in ClinVar:

NC_000009.12:g.(?_134642178)_(134701343_?)del

Gene: COL5A1 (collagen type V alpha 1 chain; plus strand). Cytogenetic location: 9q34.3.
Variant type: Deletion.
Identifiers: ClinVar variation 830770 (VCV000830770.6).

ClinVar aggregate classification (germline): Pathogenic. Review status: criteria provided, single submitter (1 of 4 stars). 2 submissions from 1 submitter: Pathogenic (2). Last evaluated 2019-07-05.

Conditions:
Ehlers-Danlos syndrome, classic type (cEDS). Identifiers: Orphanet 287, MedGen C4225429, MONDO:0007522.
Ehlers-Danlos syndrome, classic type, 1 (EDSCL1). Also called: Ehlers-Danlos syndrome, type 1; Ehlers-Danlos Syndrome, Classic Type, COL5A1-Related; EDS I; EHLERS-DANLOS SYNDROME, GRAVIS TYPE; EHLERS-DANLOS SYNDROME, SEVERE CLASSIC TYPE. Identifiers: MedGen C0268335, MONDO:0019567, OMIM 130000.

Submissions (2):

Labcorp Genetics (formerly Invitae), Labcorp
Classification: Pathogenic for Ehlers-Danlos syndrome, type 1. Last evaluated: 2019-07-05. Review status: criteria provided, single submitter. Criteria: Invitae Variant Classification Sherloc (09022015). Collection method: clinical testing. Allele origin: germline.
Comment: This variant is a gross deletion of the genomic region encompassing exons 1-4 of the COL5A1 gene, which includes the initiator codon. The 5' end of this event is unknown as it extends beyond the assayed region for this gene and therefore may encompass additional genes. The 3' boundary is likely confined to intron 4 of the COL5A1 gene. This is expected to result in an absent or disrupted protein product. This variant has not been reported in the literature in individuals with COL5A1-related conditions. Loss-of-function variants in COL5A1 are known to be pathogenic (PMID: 23587214). For these reasons, this variant has been classified as Pathogenic.

Labcorp Genetics (formerly Invitae), Labcorp
Classification: Pathogenic for Ehlers-Danlos syndrome, classic type, 1. Last evaluated: 2019-06-29. Review status: criteria provided, single submitter. Criteria: Invitae Variant Classification Sherloc (09022015). Collection method: clinical testing. Allele origin: germline.
Comment: For these reasons, this variant has been classified as Pathogenic. Loss-of-function variants in COL5A1 are known to be pathogenic (PMID: 23587214). This variant has not been reported in the literature in individuals with COL5A1-related conditions. This variant is a gross deletion of the genomic region encompassing exons 1-4 of the COL5A1 gene, which includes the initiator codon. The 5' end of this event is unknown as it extends beyond the assayed region for this gene and therefore may encompass additional genes. The 3' boundary is likely confined to intron 4 of the COL5A1 gene. This is expected to result in an absent or disrupted protein product.

Literature cited by the submitters: PubMed 23587214.